The following is an entry in ClinVar:

ClinVar aggregate classification (germline): Likely benign (1 of 4 stars; one submission).

gnomAD v4.1: 402 of 1,551,032 alleles (0.026%); highest among the groups gnomAD compares: South Asian, 0.45%; 2 homozygotes.

Submission:

CeGaT Center for Human Genetics Tuebingen
Classification: Likely benign. Last evaluated: 2025-03-01. Review status: criteria provided, single submitter. Criteria: CeGaT Center For Human Genetics Tuebingen Variant Classification Criteria Version 2. Collection method: clinical testing. Allele origin: germline. Affected: yes. Observed: 1 variant allele.
Comment: PEX13: BP4, BP7

NM_002618.4(PEX13):c.92+368T>C

Genes: PEX13 (peroxisomal biogenesis factor 13; plus strand), PUS10 (pseudouridine synthase 10; minus strand). Cytogenetic location: 2p15.
Variant type: single nucleotide variant.
Coding change: c.92+368T>C on transcript NM_002618.4 (MANE Select); 368 bases into the intron after coding-DNA position 92, T replaced by C.
Molecular consequence: intron variant. On other transcripts: 5 prime UTR variant (2).
Genome position (GRCh38, 1-based): chr2:61,018,219, T>C. VCF-style: chr2-61018219-T-C. GRCh37 (hg19) VCF-style: chr2-61245354-T-C.
Other names: c.-834A>G (NM_001322127.1); c.-227A>G (NM_144709.4).
Identifiers: ClinVar variation 3778135 (VCV003778135.7).